The following is an entry in ClinVar:

NM_000052.7(ATP7A):c.1707+6_1707+9del

Gene: ATP7A (ATPase copper transporting alpha; plus strand). Cytogenetic location: Xq21.1.
Variant type: Microsatellite.
Coding change: c.1707+6_1707+9del on transcript NM_000052.7 (MANE Select); bases 6 to 9 of the intron after coding-DNA position 1707, 4 bases deleted (TAAG; older notation c.1707+6_1707+9delTAAG).
Molecular consequence: splice donor variant.
Genome position (GRCh38, 1-based): chrX:78,003,242-78,003,245, TAAG deleted; deleting any 4 consecutive bases within chrX:78,003,237-78,003,245 gives the same sequence; the c. name uses the placement nearest the transcript's 3' end. VCF-style (leftmost placement, unchanged base first): chrX-78003236-TGTAA-T. GRCh37 (hg19) VCF-style: chrX-77258733-TGTAA-T.
Other names: c.1707+6_1707+9delTAAG (NM_000052.4); c.1707+6_1707+9del (NM_001282224.2).
Identifiers: ClinVar variation 245767 (VCV000245767.2), dbSNP rs879253938, ClinGen allele CA10584645.
Genomic context (GRCh38, chrX:78,003,236, plus strand): 5'-TGGATTTGGAGCCACTGTGATAGAAAATGCTGATGAAGGAGATGGTGTTTTGGAACTTGT[TGTAA>T]GTAAGATTTTTTGTGTGATTAATAAAACTTCCAGAAAAAAAACTTGGTAAGGTTCAGAGA-3'

ClinVar aggregate classification (germline): Pathogenic (1 of 4 stars; one submission).

Submission:

GeneDx
Classification: Pathogenic. Last evaluated: 2015-05-21. Review status: criteria provided, single submitter. Criteria: GeneDx Variant Classification (06012015). Collection method: clinical testing. Allele origin: germline. Affected: yes.
Comment: The c.1707+6_1707+9delTAAG variant in the ATP7A gene has not been reported previously as a disease-causing variant nor as a benign polymorphism, to our knowledge. This variant reduces the quality of the splice donor site in intron 6, and is expected to cause abnormal gene splicing. The c.1707+6_1707+9delTAAG variant was not observed in approximately 6,500 individuals of European and African American ancestry in the NHLBI Exome Sequencing Project, indicating it is not a common benign variant in these populations. We interpret c.1707+6_1707+9delTAAG as a disease-causing variant